The following is an entry in ClinVar:

NM_002528.7(NTHL1):c.115+4G>A

Gene: NTHL1 (nth like DNA glycosylase 1; minus strand). Cytogenetic location: 16p13.3.
Variant type: single nucleotide variant.
Coding change: c.115+4G>A on transcript NM_002528.7 (MANE Select); 4 bases into the intron after coding-DNA position 115, G replaced by A.
Molecular consequence: intron variant.
Genome position (GRCh38, 1-based): chr16:2,047,705, C>T on the plus strand (G>A on the coding strand, the complement: NTHL1 is on the minus strand). VCF-style: chr16-2047705-C-T. GRCh37 (hg19) VCF-style: chr16-2097706-C-T.
Other names: c.-64+4G>A (NM_001318194.2); c.115+4G>A (NM_001318193.2).
Identifiers: ClinVar variation 1211796 (VCV001211796.11), dbSNP rs780886475, ClinGen allele CA620372615.

ClinVar aggregate classification (germline): Conflicting classifications of pathogenicity. Review status: criteria provided, conflicting classifications (1 of 4 stars). 4 submissions from 4 submitters: Uncertain significance (3); Likely benign (1). Last evaluated 2025-08-07.

Conditions:
Hereditary cancer-predisposing syndrome. Also called: Hereditary neoplastic syndrome; Hereditary Cancer Syndrome; Tumor predisposition; Neoplastic Syndromes, Hereditary. Identifiers: Orphanet 140162, MedGen C0027672, MeSH D009386, MONDO:0015356.
Familial adenomatous polyposis 3. Also called: NTHL1-associated polyposis; NTHL1 Tumor Syndrome; NTHL1-related attenuated familial adenomatous polyposis; NTHL1-Related Adenomatous Polyposis and Colorectal Cancer. Identifiers: Orphanet 220460, Orphanet 454840, MedGen C4225157, MONDO:0014630, OMIM 616415.

gnomAD v4.1: 2 of 1,575,488 alleles (0.00013%); highest among the groups gnomAD compares: East Asian, 0.0023%; no homozygotes.

Submissions (4):

Labcorp Genetics (formerly Invitae), Labcorp
Classification: Uncertain significance. Last evaluated: 2025-08-07. Review status: criteria provided, single submitter. Criteria: Invitae Variant Classification Sherloc (09022015). Collection method: clinical testing. Allele origin: germline.
Comment: This sequence change falls in intron 1 of the NTHL1 gene. It does not directly change the encoded amino acid sequence of the NTHL1 protein. It affects a nucleotide within the consensus splice site. This variant is not present in population databases (gnomAD no frequency). This variant has not been reported in the literature in individuals affected with NTHL1-related conditions. ClinVar contains an entry for this variant (Variation ID: 1211796). Variants that disrupt the consensus splice site are a relatively common cause of aberrant splicing (PMID: 17576681, 9536098). RNA analysis provides insufficient evidence to determine the effect of this variant on NTHL1 splicing (internal data). In summary, the available evidence is currently insufficient to determine the role of this variant in disease. Therefore, it has been classified as a Variant of Uncertain Significance.

Fulgent Genetics
Classification: Uncertain significance for Familial adenomatous polyposis 3. Last evaluated: 2024-03-07. Review status: criteria provided, single submitter. Criteria: ACMG Guidelines, 2015. Collection method: clinical testing. Allele origin: germline.

Ambry Genetics
Classification: Uncertain significance for Hereditary cancer-predisposing syndrome. Last evaluated: 2020-11-30. Review status: criteria provided, single submitter. Criteria: Ambry Variant Classification Scheme 2023. Collection method: clinical testing. Allele origin: germline.
Comment: The c.139+4G>A intronic variant results from a G to A substitution 4 nucleotides after coding exon 1 in the NTHL1 gene. This nucleotide position is well conserved in available vertebrate species. In silico splice site analysis predicts that this alteration will not have any significant effect on splicing. Since supporting evidence is limited at this time, the clinical significance of this alteration remains unclear.

GeneDx
Classification: Likely benign. Last evaluated: 2018-09-10. Review status: criteria provided, single submitter. Criteria: GeneDx Variant Classification Process June 2021. Collection method: clinical testing. Allele origin: germline. Affected: yes.

Literature cited by the submitters: PubMed 17576681 (cited by Labcorp Genetics (formerly Invitae), Labcorp); PubMed 9536098 (cited by Labcorp Genetics (formerly Invitae), Labcorp).